The following is an entry in ClinVar:

ClinVar aggregate classification (germline): Likely benign (1 of 4 stars; one submission).

Conditions:
MRAP2-related disorder. Also called: MRAP2-related condition.

gnomAD v4.1: 3 of 1,614,212 alleles (0.00019%); highest among the groups gnomAD compares: South Asian, 0.0033%; no homozygotes.

Submission:

PreventionGenetics, part of Exact Sciences
Classification: Likely benign for MRAP2-related condition. Last evaluated: 2026-02-04. Review status: criteria provided, single submitter. Criteria: ACMG Guidelines, 2015. Collection method: clinical testing. Allele origin: germline.
Comment: This variant is classified as likely benign based on ACMG/AMP sequence variant interpretation guidelines (Richards et al. 2015 PMID: 25741868, with internal and published modifications).

NM_138409.4(MRAP2):c.345C>T (p.Leu115=)

Gene: MRAP2 (melanocortin 2 receptor accessory protein 2; plus strand). Cytogenetic location: 6q14.2.
Variant type: single nucleotide variant.
Coding change: c.345C>T on transcript NM_138409.4 (MANE Select); coding-DNA position 345, C replaced by T.
Protein change: p.Leu115=; no amino-acid change (leucine 115 retained).
Molecular consequence: synonymous variant.
Genome position (GRCh38, 1-based): chr6:84,089,208, C>T. VCF-style: chr6-84089208-C-T. GRCh37 (hg19) VCF-style: chr6-84798927-C-T.
Other names: c.87C>T, p.Leu29= (NM_001346541.2); c.345C>T, p.Leu115= (NM_001346542.2, NM_001346544.2); c.180C>T, p.Leu60= (NM_001346543.2).
Identifiers: ClinVar variation 4982907 (VCV004982907.1).
Genomic context (GRCh38, chr6:84,089,208, plus strand): 5'-AAGACCTCTGGAGCCAGATAAAGTATTTTCTCGCCAAGGCAACGAGGAGTCCAGGTCTCT[C>T]TTTCACTGCTACATCAATGAGGTGGAACGCTTGGACAGAGCCAAAGCTTGTCACCAGACC-3'
Protein context (NP_612418.2, residues 105-125): SRQGNEESRS[Leu115=]FHCYINEVER